The following is an entry in ClinVar:

NM_024312.5(GNPTAB):c.1528del (p.Ala510fs)

Gene: GNPTAB (N-acetylglucosamine-1-phosphate transferase subunits alpha and beta; minus strand). Cytogenetic location: 12q23.2.
Variant type: Deletion.
Coding change: c.1528del on transcript NM_024312.5 (MANE Select); coding-DNA position 1528, one base deleted (G; older notation c.1528delG).
Protein change: p.Ala510fs; shifts the reading frame from alanine 510.
Molecular consequence: frameshift variant.
Genome position (GRCh38, 1-based): chr12:101,766,175, C deleted on the plus strand (G on the coding strand, the reverse complement: GNPTAB is on the minus strand). VCF-style (leftmost placement, unchanged base first): chr12-101766174-GC-G. GRCh37 (hg19) VCF-style: chr12-102159952-GC-G.
Other names: short protein forms A510fs.
Identifiers: ClinVar variation 1724825 (VCV001724825.3), dbSNP rs2547958662, ClinGen allele CA2580085704.

ClinVar aggregate classification (germline): Likely pathogenic (1 of 4 stars; one submission).

Conditions:
GNPTAB-mucolipidosis. Also called: UDP-N-acetylglucosamine-1-phosphotransferase subunit alpha/beta deficiency. Identifiers: MedGen CN322573, MONDO:0100122.

Submission:

Myriad Genetics, Inc.
Classification: Likely pathogenic for GNPTAB-mucolipidosis. Last evaluated: 2022-02-28. Review status: criteria provided, single submitter. Criteria: Myriad Autosomal Dominant, Autosomal Recessive and X-Linked Classification Criteria (2023). Collection method: clinical testing. Allele origin: unknown.
Comment: NM_024312.4(GNPTAB):c.1528delG(A510Rfs*37) is expected to be pathogenic in the context of GNPTAB-related disorders. This variant is predicted to lead to an abnormal or absent protein product due to the creation of a premature termination codon in GNPTAB, a gene where loss-of-function variants are known to be pathogenic. Please note: this variant was assessed in the context of healthy population screening.